The following is an entry in ClinVar:

NM_022168.4(IFIH1):c.2398G>T (p.Glu800Ter)

Gene: IFIH1 (interferon induced with helicase C domain 1; minus strand). Cytogenetic location: 2q24.2.
Variant type: single nucleotide variant.
Coding change: c.2398G>T on transcript NM_022168.4 (MANE Select); coding-DNA position 2398, G replaced by T.
Protein change: p.Glu800Ter; replaces glutamic acid 800 with a stop codon.
Molecular consequence: nonsense.
Genome position (GRCh38, 1-based): chr2:162,273,851, C>A on the plus strand (G>T on the coding strand, the complement: IFIH1 is on the minus strand). VCF-style: chr2-162273851-C-A. GRCh37 (hg19) VCF-style: chr2-163130361-C-A.
Other names: short protein forms E800*.
Identifiers: ClinVar variation 1306303 (VCV001306303.7), dbSNP rs1444920926, ClinGen allele CA348995882.

ClinVar aggregate classification (germline): Uncertain significance. Review status: criteria provided, multiple submitters, no conflicts (2 of 4 stars). 2 submissions from 2 submitters: Uncertain significance (2). Last evaluated 2025-12-26.

Conditions:
Aicardi-Goutieres syndrome 7 (AGS7). Identifiers: Orphanet 51, MedGen C3888244, MONDO:0014367, OMIM 615846.
Singleton-Merten syndrome 1 (SGMRT1). Also called: Widened medullary cavities of bone, aortic calcification, abnormal dentition, and muscular weakness; Syndrome of widened medullary cavities of the metacarpals and phalanges, aortic calcification and abnormal dentition. Identifiers: Orphanet 85191, MedGen C4225427, MONDO:0024535, OMIM 182250.

Allele frequency attached by ClinVar (database versions not stated): gnomAD 0.00001; gnomAD exomes 0.00001 and below 0.00001.
gnomAD v4.1: 10 of 1,611,154 alleles (0.00062%); highest among the groups gnomAD compares: East Asian, 0.0022%; no homozygotes.

Submissions (2):

Labcorp Genetics (formerly Invitae), Labcorp
Classification: Uncertain significance for Aicardi-Goutieres syndrome 7; Singleton-Merten syndrome 1. Last evaluated: 2025-12-26. Review status: criteria provided, single submitter. Criteria: Invitae Variant Classification Sherloc (09022015). Collection method: clinical testing. Allele origin: germline.
Comment: This sequence change creates a premature translational stop signal (p.Glu800*) in the IFIH1 gene. It is expected to result in an absent or disrupted protein product. However, the current clinical and genetic evidence is not sufficient to establish whether loss-of-function variants in IFIH1 cause disease. This variant is present in population databases (no rsID available, gnomAD 0.006%). This variant has not been reported in the literature in individuals affected with IFIH1-related conditions. This premature translational stop signal has been observed in at least one individual who was not affected with IFIH1-related conditions (internal data). ClinVar contains an entry for this variant (Variation ID: 1306303). In summary, the available evidence is currently insufficient to determine the role of this variant in disease. Therefore, it has been classified as a Variant of Uncertain Significance.

GeneDx
Classification: Uncertain significance. Last evaluated: 2019-05-30. Review status: criteria provided, single submitter. Criteria: GeneDx Variant Classification Process June 2021. Collection method: clinical testing. Allele origin: germline. Affected: yes.
Comment: Nonsense variant predicted to result in protein truncation or nonsense mediated decay in a gene for which loss-of-function is not a known mechanism of disease; Has not been previously published as pathogenic or benign to our knowledge